The following is an entry in ClinVar:

ClinVar aggregate classification (germline): Uncertain significance. Review status: criteria provided, multiple submitters, no conflicts (2 of 4 stars). 2 submissions from 2 submitters: Uncertain significance (2). Last evaluated 2025-01-16.

Allele frequency attached by ClinVar (database versions not stated): TOPMed below 0.00001; gnomAD 0.00001; gnomAD exomes 0.00001.
gnomAD v4.1: 11 of 1,613,166 alleles (0.00068%); highest among the groups gnomAD compares: Middle Eastern, 0.016%; no homozygotes.

Submissions (2):

Ambry Genetics
Classification: Uncertain significance. Last evaluated: 2025-01-16. Review status: criteria provided, single submitter. Criteria: Ambry Variant Classification Scheme 2023. Collection method: clinical testing. Allele origin: germline.

Labcorp Genetics (formerly Invitae), Labcorp
Classification: Uncertain significance. Last evaluated: 2022-08-19. Review status: criteria provided, single submitter. Criteria: Invitae Variant Classification Sherloc (09022015). Collection method: clinical testing. Allele origin: germline.
Comment: This sequence change replaces arginine, which is basic and polar, with lysine, which is basic and polar, at codon 634 of the IARS protein (p.Arg634Lys). This variant is present in population databases (rs201752630, gnomAD 0.009%). This variant has not been reported in the literature in individuals affected with IARS-related conditions. Algorithms developed to predict the effect of missense changes on protein structure and function (SIFT, PolyPhen-2, Align-GVGD) all suggest that this variant is likely to be tolerated. In summary, the available evidence is currently insufficient to determine the role of this variant in disease. Therefore, it has been classified as a Variant of Uncertain Significance.

NM_002161.6(IARS1):c.1901G>A (p.Arg634Lys)

Gene: IARS1 (isoleucyl-tRNA synthetase 1; minus strand). Cytogenetic location: 9q22.31.
Variant type: single nucleotide variant.
Coding change: c.1901G>A on transcript NM_002161.6 (MANE Select); coding-DNA position 1901, G replaced by A.
Protein change: p.Arg634Lys; replaces arginine 634 with lysine.
Molecular consequence: missense variant. On other transcripts: non-coding transcript variant (1).
Genome position (GRCh38, 1-based): chr9:92,258,969, C>T on the plus strand (G>A on the coding strand, the complement: IARS1 is on the minus strand). VCF-style: chr9-92258969-C-T. GRCh37 (hg19) VCF-style: chr9-95021251-C-T.
Other names: c.1901G>A, p.Arg634Lys (NM_001374299.1, NM_001374300.1, NM_001378572.1 and 13 more transcripts); c.1817G>A, p.Arg606Lys (NM_001374301.1); c.1964G>A, p.Arg655Lys (NM_001378569.1); c.1922G>A, p.Arg641Lys (NM_001378571.1); c.1778G>A, p.Arg593Lys (NM_001378583.1); c.1901G>A (NM_013417.2); short protein forms R593K, R634K, R606K, R641K, R655K.
Identifiers: ClinVar variation 1910029 (VCV001910029.3), dbSNP rs201752630, ClinGen allele CA195415546.